The following is an entry in ClinVar:

NM_022114.4(PRDM16):c.1457A>G (p.Asn486Ser)

Gene: PRDM16 (PR/SET domain 16; plus strand). Cytogenetic location: 1p36.32.
Variant type: single nucleotide variant.
Coding change: c.1457A>G on transcript NM_022114.4 (MANE Select); coding-DNA position 1457, A replaced by G.
Protein change: p.Asn486Ser; replaces asparagine 486 with serine.
Molecular consequence: missense variant.
Genome position (GRCh38, 1-based): chr1:3,411,654, A>G. VCF-style: chr1-3411654-A-G. GRCh37 (hg19) VCF-style: chr1-3328218-A-G.
Other names: c.1457A>G, p.Asn486Ser (NM_199454.3); short protein forms N486S.
Identifiers: ClinVar variation 4696389 (VCV004696389.1).
Genomic context (GRCh38, chr1:3,411,654, plus strand): 5'-GCCCCATGATGGACAAGGCAAAACCCTCCCCCAGCCTCAATCACGCCAGCCTGGGCTTCA[A>G]CGAGTACTTTCCCTCCAGGCCGCACCCGGGGAGCCTGCCCTTCTCCACGGCGCCTCCCAC-3'
Protein context (NP_071397.3, residues 476-496): PSLNHASLGF[Asn486Ser]EYFPSRPHPG

ClinVar aggregate classification (germline): Uncertain significance (1 of 4 stars; one submission).

Conditions:
Left ventricular noncompaction 8 (LVNC8). Identifiers: Orphanet 154, Orphanet 54260, MedGen C3809288, MONDO:0014152, OMIM 615373.

gnomAD v4.1: 4 of 1,613,330 alleles (0.00025%); highest among the groups gnomAD compares: Admixed American, 0.005%; no homozygotes.

Submission:

Labcorp Genetics (formerly Invitae), Labcorp
Classification: Uncertain significance for Left ventricular noncompaction 8. Last evaluated: 2025-12-15. Review status: criteria provided, single submitter. Criteria: Invitae Variant Classification Sherloc (09022015). Collection method: clinical testing. Allele origin: germline.
Comment: This sequence change replaces asparagine, which is neutral and polar, with serine, which is neutral and polar, at codon 486 of the PRDM16 protein (p.Asn486Ser). This variant is present in population databases (rs769672374, gnomAD 0.003%). This variant has not been reported in the literature in individuals affected with PRDM16-related conditions. An algorithm developed to predict the effect of missense changes on protein structure and function outputs the following: PolyPhen-2: "Benign". The serine amino acid residue is found in multiple mammalian species, which suggests that this missense change does not adversely affect protein function. In summary, the available evidence is currently insufficient to determine the role of this variant in disease. Therefore, it has been classified as a Variant of Uncertain Significance.